The following is an entry in ClinVar:

NM_000702.4(ATP1A2):c.788C>T (p.Thr263Met)

Gene: ATP1A2 (ATPase Na+/K+ transporting subunit alpha 2; plus strand). Cytogenetic location: 1q23.2.
Variant type: single nucleotide variant.
Coding change: c.788C>T on transcript NM_000702.4 (MANE Select); coding-DNA position 788, C replaced by T.
Protein change: p.Thr263Met; replaces threonine 263 with methionine.
Molecular consequence: missense variant.
Genome position (GRCh38, 1-based): chr1:160,127,591, C>T. VCF-style: chr1-160127591-C-T. GRCh37 (hg19) VCF-style: chr1-160097381-C-T.
Other names: short protein forms T263M.
Identifiers: ClinVar variation 585463 (VCV000585463.12), dbSNP rs777400961, ClinGen allele CA343237213.

ClinVar aggregate classification (germline): Pathogenic/Likely pathogenic. Review status: criteria provided, multiple submitters, no conflicts (2 of 4 stars). 5 submissions from 4 submitters: Pathogenic (2); Likely pathogenic (3). Last evaluated 2026-01-05.

Conditions:
Migraine, familial hemiplegic, 2. Identifiers: Orphanet 569, MedGen C1865322, MONDO:0011232, OMIM 602481.
Developmental and epileptic encephalopathy 98. Identifiers: MedGen C5562017, MONDO:0030472, OMIM 619605.
Familial hemiplegic migraine. Identifiers: MedGen C0338484, MONDO:0000700.

gnomAD v4.1: 1 of 1,614,242 alleles (0.000062%); highest among the groups gnomAD compares: Non-Finnish European, 0.000085%; no homozygotes.

Submissions (5):

Labcorp Genetics (formerly Invitae), Labcorp
Classification: Pathogenic for Familial hemiplegic migraine. Last evaluated: 2026-01-05. Review status: criteria provided, single submitter. Criteria: Invitae Variant Classification Sherloc (09022015). Collection method: clinical testing. Allele origin: germline.
Comment: This sequence change replaces threonine, which is neutral and polar, with methionine, which is neutral and non-polar, at codon 263 of the ATP1A2 protein (p.Thr263Met). This variant is not present in population databases (gnomAD no frequency). This missense change has been observed in individuals with clinical features of autosomal dominant hemiplegic migraine (PMID: 16088919; internal data). ClinVar contains an entry for this variant (Variation ID: 585463). Invitae Evidence Modeling of protein sequence and biophysical properties (such as structural, functional, and spatial information, amino acid conservation, physicochemical variation, residue mobility, and thermodynamic stability) indicates that this missense variant is expected to disrupt ATP1A2 protein function with a positive predictive value of 80%. Experimental studies have shown that this missense change affects ATP1A2 function (PMID: 18728015, 22117059). For these reasons, this variant has been classified as Pathogenic.

GeneDx
Classification: Likely pathogenic. Last evaluated: 2025-07-30. Review status: criteria provided, single submitter. Criteria: GeneDx Variant Classification Process June 2021. Collection method: clinical testing. Allele origin: germline. Affected: yes.
Comment: Published functional studies demonstrate a damaging effect on protein function (PMID: 22117059, 18728015); Not observed at significant frequency in large population cohorts (gnomAD); In silico analysis supports that this missense variant has a deleterious effect on protein structure/function; This variant is associated with the following publications: (PMID: 24096472, 22067897, 18728015, 16088919, 22117059)

Institute of Human Genetics, University of Leipzig Medical Center
Classification: Likely pathogenic for Developmental and epileptic encephalopathy 98. Last evaluated: 2025-03-24. Review status: criteria provided, single submitter. Criteria: ACMG Guidelines, 2015. Collection method: clinical testing. Allele origin: unknown. Inheritance: Autosomal dominant inheritance. Affected: yes.
Comment: Criteria applied: PS3_MOD,PS4_MOD,PM2_SUP,PP2,PP3

Institute of Human Genetics, University of Leipzig Medical Center
Classification: Likely pathogenic for Migraine, familial hemiplegic, 2. Last evaluated: 2023-01-09. Review status: criteria provided, single submitter. Criteria: ACMG Guidelines, 2015. Collection method: clinical testing. Allele origin: unknown. Affected: yes.
Comment: _x000D_ Criteria applied: PS3_MOD, PS4_MOD, PM1, PP1_MOD, PM2_SUP, PP3

Athena Diagnostics
Classification: Pathogenic. Last evaluated: 2018-07-26. Review status: criteria provided, single submitter. Criteria: Athena Diagnostics Criteria. Collection method: clinical testing. Allele origin: germline.

Literature cited by the submitters: PubMed 16088919 (cited by Labcorp Genetics (formerly Invitae), Labcorp and Athena Diagnostics); PubMed 18728015 (cited by Labcorp Genetics (formerly Invitae), Labcorp and Athena Diagnostics); PubMed 22117059 (cited by Labcorp Genetics (formerly Invitae), Labcorp and Athena Diagnostics).